The following is an entry in ClinVar:

NM_177438.3(DICER1):c.2200A>T (p.Thr734Ser)

Gene: DICER1 (dicer 1, ribonuclease III; minus strand). Cytogenetic location: 14q32.13.
Variant type: single nucleotide variant.
Coding change: c.2200A>T on transcript NM_177438.3 (MANE Select); coding-DNA position 2200, A replaced by T.
Protein change: p.Thr734Ser; replaces threonine 734 with serine.
Molecular consequence: missense variant.
Genome position (GRCh38, 1-based): chr14:95,111,373, T>A on the plus strand (A>T on the coding strand, the complement: DICER1 is on the minus strand). VCF-style: chr14-95111373-T-A. GRCh37 (hg19) VCF-style: chr14-95577710-T-A.
Other names: c.2200A>T, p.Thr734Ser (NM_001195573.1, NM_001271282.3, NM_001291628.2 and 1 more transcripts); short protein forms T734S.
Identifiers: ClinVar variation 820874 (VCV000820874.5), dbSNP rs1595391144, ClinGen allele CA390882626.
Genomic context (GRCh38, chr14:95,111,373, plus strand): 5'-TAACTGCTTTTGGGTAGCACTGCCTTCGTTTCGTGGAACCTGGTCTTCCTGGAACACTGG[T>A]CTCTTCTTCATCATGCAAATCAAGCTCCTCTTCATATTTAACAGTCTCTTTCCCAACTGG-3'
Protein context (NP_803187.1, residues 724-744): EELDLHDEEE[Thr734Ser]SVPGRPGSTK

ClinVar aggregate classification (germline): Uncertain significance (1 of 4 stars; one submission).

Conditions:
Hereditary cancer-predisposing syndrome. Also called: Neoplastic Syndromes, Hereditary; Tumor predisposition; Hereditary Cancer Syndrome; Hereditary neoplastic syndrome. Identifiers: Orphanet 140162, MedGen C0027672, MeSH D009386, MONDO:0015356.

Submission:

Ambry Genetics
Classification: Uncertain significance for Hereditary cancer-predisposing syndrome. Last evaluated: 2025-05-15. Review status: criteria provided, single submitter. Criteria: Ambry Variant Classification Scheme 2023. Collection method: clinical testing. Allele origin: germline.
Comment: The p.T734S variant (also known as c.2200A>T), located in coding exon 13 of the DICER1 gene, results from an A to T substitution at nucleotide position 2200. The threonine at codon 734 is replaced by serine, an amino acid with similar properties. This amino acid position is highly conserved in available vertebrate species. In addition, this alteration is predicted to be tolerated by in silico analysis. Based on the available evidence, the clinical significance of this variant remains unclear.